The following is an entry in ClinVar:

ClinVar aggregate classification (germline): Uncertain significance. Review status: criteria provided, multiple submitters, no conflicts (2 of 4 stars). 2 submissions from 2 submitters: Uncertain significance (2). Last evaluated 2026-01-14.

Conditions:
Cardiovascular phenotype. Identifiers: MedGen CN230736.
Capillary malformation-arteriovenous malformation syndrome. Also called: Capillary malformation-arteriovenous malformation. Identifiers: Orphanet 137667, MedGen C1842180, MONDO:0012016.

gnomAD v4.1: 1 of 1,596,102 alleles (0.000063%); highest among the groups gnomAD compares: Middle Eastern, 0.017%; no homozygotes.

Submissions (2):

Ambry Genetics
Classification: Uncertain significance for Cardiovascular phenotype. Last evaluated: 2026-01-14. Review status: criteria provided, single submitter. Criteria: Ambry Variant Classification Scheme 2023. Collection method: clinical testing. Allele origin: germline.

Labcorp Genetics (formerly Invitae), Labcorp
Classification: Uncertain significance for Capillary malformation-arteriovenous malformation syndrome. Last evaluated: 2023-12-30. Review status: criteria provided, single submitter. Criteria: Invitae Variant Classification Sherloc (09022015). Collection method: clinical testing. Allele origin: germline.
Comment: This sequence change replaces aspartic acid, which is acidic and polar, with asparagine, which is neutral and polar, at codon 455 of the RASA1 protein (p.Asp455Asn). This variant is not present in population databases (gnomAD no frequency). This variant has not been reported in the literature in individuals affected with RASA1-related conditions. An algorithm developed to predict the effect of missense changes on protein structure and function (PolyPhen-2) suggests that this variant is likely to be tolerated. In summary, the available evidence is currently insufficient to determine the role of this variant in disease. Therefore, it has been classified as a Variant of Uncertain Significance.

NM_002890.3(RASA1):c.1363G>A (p.Asp455Asn)

Genes: CCNH (cyclin H; minus strand), RASA1 (RAS p21 protein activator 1; plus strand). Cytogenetic location: 5q14.3.
Variant type: single nucleotide variant.
Coding change: c.1363G>A on transcript NM_002890.3 (MANE Select); coding-DNA position 1363, G replaced by A.
Protein change: p.Asp455Asn; replaces aspartic acid 455 with asparagine.
Molecular consequence: missense variant. On other transcripts: intron variant (1).
Genome position (GRCh38, 1-based): chr5:87,362,581, G>A. VCF-style: chr5-87362581-G-A. GRCh37 (hg19) VCF-style: chr5-86658398-G-A.
Other names: c.832G>A, p.Asp278Asn (NM_022650.3); c.933+32463C>T (NM_001364075.2); short protein forms D278N, D455N.
Identifiers: ClinVar variation 2990077 (VCV002990077.4), dbSNP rs2112456602, ClinGen allele CA360367467.